The following is an entry in ClinVar:

NM_001134363.3(RBM20):c.318_327delinsG (p.Gln107_Ala109del)

Gene: RBM20 (RNA binding motif protein 20; plus strand). Cytogenetic location: 10q25.2.
Variant type: Indel.
Coding change: c.318_327delinsG on transcript NM_001134363.3 (MANE Select); coding-DNA positions 318 to 327, ACAGACAGCT replaced by G.
Protein change: p.Gln107_Ala109del.
Molecular consequence: inframe deletion.
Genome position (GRCh38, 1-based): chr10:110,780,927-110,780,936, ACAGACAGCT replaced by G. VCF-style: chr10-110780927-ACAGACAGCT-G. GRCh37 (hg19) VCF-style: chr10-112540685-ACAGACAGCT-G.
Identifiers: ClinVar variation 538037 (VCV000538037.6), dbSNP rs1554898774, ClinGen allele CA658797535.

ClinVar aggregate classification (germline): Uncertain significance. Review status: criteria provided, multiple submitters, no conflicts (2 of 4 stars). 2 submissions from 2 submitters: Uncertain significance (2). Last evaluated 2023-09-28.

Conditions:
Dilated cardiomyopathy 1DD (CMD1DD). Identifiers: Orphanet 154, MedGen C2750995, MONDO:0013168, OMIM 613172.

Submissions (2):

ARUP Laboratories, Molecular Genetics and Genomics, ARUP Laboratories
Classification: Uncertain significance for Dilated cardiomyopathy 1DD. Last evaluated: 2023-09-28. Review status: criteria provided, single submitter. Criteria: ARUP Molecular Germline Variant Investigation Process 2024. Collection method: clinical testing. Allele origin: germline.
Comment: The RBM20 c.318_327delinsG; p.Gln107_Ala109del variant (rs1554898774), to our knowledge, is not reported in the medical literature but is reported in ClinVar (Variation ID: 538037). This variant is absent from the Genome Aggregation Database, indicating it is not a common polymorphism. This variant deletes three amino acid residues, leaving the rest of the protein in-frame. Due to limited information, the clinical significance of this variant is uncertain at this time.

Labcorp Genetics (formerly Invitae), Labcorp
Classification: Uncertain significance for Dilated cardiomyopathy 1DD. Last evaluated: 2023-05-08. Review status: criteria provided, single submitter. Criteria: Invitae Variant Classification Sherloc (09022015). Collection method: clinical testing. Allele origin: germline.
Comment: This variant is present in population databases (no rsID available, gnomAD 0.008%). This variant, c.318_327delinsG, results in the deletion of 3 amino acid(s) of the RBM20 protein (p.Gln107_Ala109del), but otherwise preserves the integrity of the reading frame. This variant has not been reported in the literature in individuals affected with RBM20-related conditions. In summary, the available evidence is currently insufficient to determine the role of this variant in disease. Therefore, it has been classified as a Variant of Uncertain Significance. Experimental studies and prediction algorithms are not available or were not evaluated, and the functional significance of this variant is currently unknown.